The following is an entry in ClinVar:

ClinVar aggregate classification (germline): Uncertain significance (1 of 4 stars; one submission).

Submission:

Labcorp Genetics (formerly Invitae), Labcorp
Classification: Uncertain significance. Last evaluated: 2023-04-29. Review status: criteria provided, single submitter. Criteria: Invitae Variant Classification Sherloc (09022015). Collection method: clinical testing. Allele origin: germline.
Comment: In summary, the available evidence is currently insufficient to determine the role of this variant in disease. Therefore, it has been classified as a Variant of Uncertain Significance. Variants that disrupt the consensus splice site are a relatively common cause of aberrant splicing (PMID: 17576681, 9536098). Algorithms developed to predict the effect of sequence changes on RNA splicing suggest that this variant may disrupt the consensus splice site. This variant has not been reported in the literature in individuals affected with CTNNA1-related conditions. This variant is not present in population databases (gnomAD no frequency). This sequence change falls in intron 7 of the CTNNA1 gene. It does not directly change the encoded amino acid sequence of the CTNNA1 protein. It affects a nucleotide within the consensus splice site.

Literature cited by the submitters: PubMed 17576681; PubMed 9536098.

NM_001903.5(CTNNA1):c.1062+5G>T

Gene: CTNNA1 (catenin alpha 1; plus strand). Cytogenetic location: 5q31.2.
Variant type: single nucleotide variant.
Coding change: c.1062+5G>T on transcript NM_001903.5 (MANE Select); 5 bases into the intron after coding-DNA position 1062, G replaced by T.
Molecular consequence: intron variant.
Genome position (GRCh38, 1-based): chr5:138,827,723, G>T. VCF-style: chr5-138827723-G-T. GRCh37 (hg19) VCF-style: chr5-138163412-G-T.
Other names: c.1062+5G>T (NM_001323982.2, NM_001323984.2, NM_001290307.3 and 3 more transcripts); c.693+5G>T (NM_001290310.3); c.753+5G>T (NM_001290309.3).
Identifiers: ClinVar variation 2860577 (VCV002860577.3), dbSNP rs2149786154, ClinGen allele CA2578420780.